The following is an entry in ClinVar:

ClinVar aggregate classification (germline): Pathogenic/Likely pathogenic. Review status: criteria provided, multiple submitters, no conflicts (2 of 4 stars). 5 submissions from 5 submitters: Pathogenic (2); Likely pathogenic (3). Last evaluated 2026-01-15.

Conditions:
Mitochondrial neurogastrointestinal encephalomyopathy. Also called: Mitochondrial neurogastrointestinal encephalopathy syndrome; MNGIE syndrome; Thymidine phosphorylase deficiency. Identifiers: Orphanet 298, MedGen C0872218, MONDO:0017575.
Mitochondrial DNA depletion syndrome 1. Also called: Mitochondrial DNA Depletion Syndrome, MNGIE Form; Mitochondrial Neurogastrointestinal Encephalopathy Disease; MITOCHONDRIAL NEUROGASTROINTESTINAL ENCEPHALOPATHY SYNDROME, TYMP-RELATED; MNGIE, TYMP-RELATED; Mitochondrial neurogastrointestinal encephalomyopathy syndrome; Mitochondrial DNA depletion syndrome 1 (MNGIE type). Identifiers: Orphanet 298, MedGen C4551995, MONDO:0011283, OMIM 603041.

gnomAD v4.1: 1 of 1,492,898 alleles (0.000067%); highest among the groups gnomAD compares: Non-Finnish European, 0.000088%; no homozygotes.

Submissions (5):

Natera, Inc.
Classification: Likely pathogenic for Mitochondrial neurogastrointestinal encephalomyopathy. Last evaluated: 2026-01-15. Review status: criteria provided, single submitter. Criteria: Natera Variant Classification Schema (03/2026). Collection method: clinical testing. Allele origin: germline.
Comment: The c.945G>A variant in TYMP is a nonsense variant predicted to introduce a stop codon at amino acid 315. This variant is expected to result in nonsense mediated decay, truncation, or a dysfunctional protein product. This variant is rare in the general population with a frequency below the threshold expected for the associated phenotype(s). Given the available evidence, this variant is classified as Likely Pathogenic.

Fulgent Genetics
Classification: Likely pathogenic for Mitochondrial DNA depletion syndrome 1. Last evaluated: 2024-05-17. Review status: criteria provided, single submitter. Criteria: ACMG Guidelines, 2015. Collection method: clinical testing. Allele origin: germline.

Baylor Genetics
Classification: Likely pathogenic for Mitochondrial DNA depletion syndrome 1. Last evaluated: 2023-06-23. Review status: criteria provided, single submitter. Criteria: ACMG Guidelines, 2015. Collection method: clinical testing. Allele origin: unknown.

Labcorp Genetics (formerly Invitae), Labcorp
Classification: Pathogenic. Last evaluated: 2022-03-18. Review status: criteria provided, single submitter. Criteria: Invitae Variant Classification Sherloc (09022015). Collection method: clinical testing. Allele origin: germline.
Comment: This variant has not been reported in the literature in individuals affected with TYMP-related conditions. This sequence change creates a premature translational stop signal (p.Trp315*) in the TYMP gene. It is expected to result in an absent or disrupted protein product. Loss-of-function variants in TYMP are known to be pathogenic (PMID: 9924029, 15781193). This variant is not present in population databases (gnomAD no frequency). ClinVar contains an entry for this variant (Variation ID: 870754). Algorithms developed to predict the effect of sequence changes on RNA splicing suggest that this variant may create or strengthen a splice site. For these reasons, this variant has been classified as Pathogenic.

CeGaT Center for Human Genetics Tuebingen
Classification: Pathogenic. Last evaluated: 2019-07-01. Review status: criteria provided, single submitter. Criteria: CeGaT Center For Human Genetics Tuebingen Variant Classification Criteria Version 2. Collection method: clinical testing. Allele origin: germline. Affected: yes. Observed: 3 variant alleles.

Literature cited by the submitters: PubMed 9924029 (cited by Labcorp Genetics (formerly Invitae), Labcorp); PubMed 15781193 (cited by Labcorp Genetics (formerly Invitae), Labcorp).

NM_001953.5(TYMP):c.945G>A (p.Trp315Ter)

Genes: TYMP (thymidine phosphorylase; minus strand), LOC130067862 (ATAC-STARR-seq lymphoblastoid silent region 13986; plus strand). Cytogenetic location: 22q13.33.
Variant type: single nucleotide variant.
Coding change: c.945G>A on transcript NM_001953.5 (MANE Select); coding-DNA position 945, G replaced by A.
Protein change: p.Trp315Ter; replaces tryptophan 315 with a stop codon.
Molecular consequence: nonsense.
Genome position (GRCh38, 1-based): chr22:50,526,460, C>T on the plus strand (G>A on the coding strand, the complement: TYMP is on the minus strand). VCF-style: chr22-50526460-C-T. GRCh37 (hg19) VCF-style: chr22-50964889-C-T.
Other names: c.945G>A, p.Trp315Ter (NM_001113755.3, NM_001113756.3, NM_001257988.1 and 1 more transcripts); c.945G>A (NM_001953.4); short protein forms W315*.
Identifiers: ClinVar variation 870754 (VCV000870754.49), dbSNP rs1052593047, ClinGen allele CA412198304.
Genomic context (GRCh38, chr22:50,526,460, plus strand): 5'-GTCCAGCGCCGCGGCCACCCGGGCAGCGCCCTGGGCCTGAGTCCCCGCGTGTCCGCTGAG[C>T]CAGAGCAGGGCGCCCCCTGCGGGCGGGGACGGGTCTTAGGCGCGGCCGGGTCGGGGCGGC-3'